The following is an entry in ClinVar:

ClinVar aggregate classification (germline): Likely pathogenic. Review status: criteria provided, multiple submitters, no conflicts (2 of 4 stars). 2 submissions from 2 submitters: Likely pathogenic (2). Last evaluated 2022-06-22.

Conditions:
Holoprosencephaly 5 (HPE5). Identifiers: Orphanet 2162, MedGen C1864827, MONDO:0012322, OMIM 609637.

Submissions (2):

Wangler Lab, Baylor College of Medicine
Classification: Likely pathogenic for Holoprosencephaly 5. Last evaluated: 2022-06-22. Review status: criteria provided, single submitter. Criteria: ('ACMG Guidelines, 2015. Collection method: research. Allele origin: unknown. Affected: yes. Observed: 1 heterozygote.
Comment: This indel at c.1213_1216delinsGCATGT (p.Pro405Alafs*9) was seen on exome through the Texome Project (R01HG011795). It has not been observed in healthy populations (PM2). This stop-gain variant is located in exon 2 of 3 and is predicted to be deleterious (PP3) and results in nonsense mediated decay in a gene where LOF is a documented mechanism of disease (PVS1) (PMID: 11285244). We determine this change to be likely pathogenic.

Baylor Genetics
Classification: Likely pathogenic for Holoprosencephaly 5. Last evaluated: 2022-06-15. Review status: criteria provided, single submitter. Criteria: ACMG Guidelines, 2015. Collection method: clinical testing. Allele origin: unknown.

Literature cited by the submitters: PubMed 11285244 (cited by Wangler Lab, Baylor College of Medicine).

NM_007129.5(ZIC2):c.1213_1216delinsGCATGT (p.Pro405fs)

Gene: ZIC2 (Zic family member 2; plus strand). Cytogenetic location: 13q32.3.
Variant type: Indel.
Coding change: c.1213_1216delinsGCATGT on transcript NM_007129.5 (MANE Select); coding-DNA positions 1213 to 1216, CCCA replaced by GCATGT.
Protein change: p.Pro405fs; shifts the reading frame from proline 405.
Molecular consequence: frameshift variant.
Genome position (GRCh38, 1-based): chr13:99,985,083-99,985,086, CCCA replaced by GCATGT. VCF-style: chr13-99985083-CCCA-GCATGT. GRCh37 (hg19) VCF-style: chr13-100637337-CCCA-GCATGT.
Other names: short protein forms P405fs.
Identifiers: ClinVar variation 1710134 (VCV001710134.4), dbSNP rs2501549421, ClinGen allele CA2580087795.
Genomic context (GRCh38, chr13:99,985,083, plus strand): 5'-CACGTCCACACCTCCGATAAGCCCTATCTCTGCAAGATGTGCGACAAGTCCTACACGCAC[CCCA>GCATGT]GCTCGCTGCGGAAGCACATGAAGGTACCACCGCGGCGGCCGGGAGGAGGGCGAGGCAGGC-3'